The following is an entry in ClinVar:

NM_000094.4(COL7A1):c.2638dup (p.Glu880fs)

Gene: COL7A1 (collagen type VII alpha 1 chain; minus strand). Cytogenetic location: 3p21.31.
Variant type: Duplication.
Coding change: c.2638dup on transcript NM_000094.4 (MANE Select); coding-DNA position 2638, one base duplicated (G; older notation c.2638dupG).
Protein change: p.Glu880fs; shifts the reading frame from glutamic acid 880.
Molecular consequence: frameshift variant.
Genome position (GRCh38, 1-based): chr3:48,588,354, C duplicated on the plus strand (G on the coding strand, the reverse complement: COL7A1 is on the minus strand); the first of 4 consecutive C bases (chr3:48,588,354-48,588,357); duplicating any one gives the same sequence. VCF-style (leftmost placement, unchanged base first): chr3-48588353-T-TC. GRCh37 (hg19) VCF-style: chr3-48625786-T-TC.
Other names: short protein forms E880fs.
Identifiers: ClinVar variation 2203380 (VCV002203380.4), dbSNP rs2045439040, ClinGen allele CA2580069959.

ClinVar aggregate classification (germline): Pathogenic (1 of 4 stars; one submission).

Submission:

Labcorp Genetics (formerly Invitae), Labcorp
Classification: Pathogenic. Last evaluated: 2022-08-19. Review status: criteria provided, single submitter. Criteria: Invitae Variant Classification Sherloc (09022015). Collection method: clinical testing. Allele origin: germline.
Comment: For these reasons, this variant has been classified as Pathogenic. This sequence change creates a premature translational stop signal (p.Glu880Glyfs*24) in the COL7A1 gene. It is expected to result in an absent or disrupted protein product. Loss-of-function variants in COL7A1 are known to be pathogenic (PMID: 16971478). This variant is not present in population databases (gnomAD no frequency). This premature translational stop signal has been observed in individual(s) with autosomal recessive dystrophic epidermolysis bullosa (PMID: 19681861).

Literature cited by the submitters: PubMed 16971478; PubMed 19681861.